The following is an entry in ClinVar:

NM_020964.3(EPG5):c.4205G>A (p.Arg1402Lys)

Gene: EPG5 (ectopic P-granules 5 autophagy tethering factor; minus strand). Cytogenetic location: 18q21.1.
Variant type: single nucleotide variant.
Coding change: c.4205G>A on transcript NM_020964.3 (MANE Select); coding-DNA position 4205, G replaced by A.
Protein change: p.Arg1402Lys; replaces arginine 1402 with lysine.
Molecular consequence: missense variant.
Genome position (GRCh38, 1-based): chr18:45,910,521, C>T on the plus strand (G>A on the coding strand, the complement: EPG5 is on the minus strand). VCF-style: chr18-45910521-C-T. GRCh37 (hg19) VCF-style: chr18-43490486-C-T.
Other names: c.4205G>A, p.Arg1402Lys (LRG_1234t1); short protein forms R1402K.
Identifiers: ClinVar variation 650030 (VCV000650030.7), dbSNP rs749547713, ClinGen allele CA8948960.

ClinVar aggregate classification (germline): Uncertain significance. Review status: criteria provided, multiple submitters, no conflicts (2 of 4 stars). 2 submissions from 2 submitters: Uncertain significance (2). Last evaluated 2022-08-16.

Conditions:
Inborn genetic diseases. Identifiers: MedGen C0950123, MeSH D030342.
Vici syndrome (VICIS). Identifiers: Orphanet 1493, MedGen C1855772, MONDO:0009452, OMIM 242840.

Allele frequency attached by ClinVar (database versions not stated): ExAC 0.00002; gnomAD exomes 0.00002 and 0.00004; gnomAD 0.00003; TOPMed 0.00007.
gnomAD v4.1: 46 of 1,599,126 alleles (0.0029%); highest among the groups gnomAD compares: Middle Eastern, 0.041%; 1 homozygote.

Submissions (2):

Labcorp Genetics (formerly Invitae), Labcorp
Classification: Uncertain significance for Vici syndrome. Last evaluated: 2022-08-16. Review status: criteria provided, single submitter. Criteria: Invitae Variant Classification Sherloc (09022015). Collection method: clinical testing. Allele origin: germline.
Comment: This sequence change replaces arginine, which is basic and polar, with lysine, which is basic and polar, at codon 1402 of the EPG5 protein (p.Arg1402Lys). This variant also falls at the last nucleotide of exon 23, which is part of the consensus splice site for this exon. This variant is present in population databases (rs749547713, gnomAD 0.01%). This variant has not been reported in the literature in individuals affected with EPG5-related conditions. ClinVar contains an entry for this variant (Variation ID: 650030). Algorithms developed to predict the effect of missense changes on protein structure and function are either unavailable or do not agree on the potential impact of this missense change (SIFT: "Tolerated"; PolyPhen-2: "Possibly Damaging"; Align-GVGD: "Class C0"). Variants that disrupt the consensus splice site are a relatively common cause of aberrant splicing (PMID: 17576681, 9536098). Algorithms developed to predict the effect of sequence changes on RNA splicing suggest that this variant may disrupt the consensus splice site. In summary, the available evidence is currently insufficient to determine the role of this variant in disease. Therefore, it has been classified as a Variant of Uncertain Significance.

Ambry Genetics
Classification: Uncertain significance for Inborn genetic diseases. Last evaluated: 2021-04-28. Review status: criteria provided, single submitter. Criteria: Ambry Variant Classification Scheme 2023. Collection method: clinical testing. Allele origin: germline.

Literature cited by the submitters: PubMed 17576681 (cited by Labcorp Genetics (formerly Invitae), Labcorp); PubMed 9536098 (cited by Labcorp Genetics (formerly Invitae), Labcorp).